The following is an entry in ClinVar:

ClinVar aggregate classification (germline): Pathogenic (1 of 4 stars; one submission).

Conditions:
Ehlers-Danlos syndrome due to tenascin-X deficiency (EDSCLL1). Also called: Ehlers-Danlos syndrome, classic-like, 1; EHLERS-DANLOS SYNDROME, CLASSIC-LIKE; TNXB-Related Classical-Like Ehlers-Danlos Syndrome; EDS DUE TO TNX DEFICIENCY; TNX DEFICIENCY. Identifiers: Orphanet 230839, MedGen C1848029, MONDO:0011670, OMIM 606408.

Submission:

Myriad Genetics, Inc.
Classification: Pathogenic for Ehlers-Danlos syndrome due to tenascin-X deficiency. Last evaluated: 2024-07-21. Review status: criteria provided, single submitter. Criteria: Myriad Autosomal Dominant, Autosomal Recessive and X-Linked Classification Criteria (2023). Collection method: clinical testing. Allele origin: unknown.
Comment: NM_019105.6(TNXB):c.885C>A(C295*) is expected to be pathogenic in the context of classical-like Ehlers-Danlos syndrome, TNXB-related. This variant is predicted to lead to an abnormal or absent protein product due to the creation of a premature termination codon in TNXB, a gene where loss-of-function variants are known to be pathogenic. Please note: this variant was assessed in the context of healthy population screening.

NM_001365276.2(TNXB):c.885C>A (p.Cys295Ter)

Gene: TNXB (tenascin XB; minus strand). Cytogenetic location: 6p21.33.
Variant type: single nucleotide variant.
Coding change: c.885C>A on transcript NM_001365276.2 (MANE Select); coding-DNA position 885, C replaced by A.
Protein change: p.Cys295Ter; replaces cysteine 295 with a stop codon.
Molecular consequence: nonsense.
Genome position (GRCh38, 1-based): chr6:32,096,968, G>T on the plus strand (C>A on the coding strand, the complement: TNXB is on the minus strand). VCF-style: chr6-32096968-G-T. GRCh37 (hg19) VCF-style: chr6-32064745-G-T.
Other names: c.885C>A, p.Cys295Ter (NM_001428335.1, NM_019105.8); short protein forms C295*.
Identifiers: ClinVar variation 5013340 (VCV005013340.1).